The following is an entry in ClinVar:

NM_001378454.1(ALMS1):c.7019C>T (p.Thr2340Met)

Gene: ALMS1 (ALMS1 centrosome and basal body associated protein; plus strand). Cytogenetic location: 2p13.1.
Variant type: single nucleotide variant.
Coding change: c.7019C>T on transcript NM_001378454.1 (MANE Select); coding-DNA position 7019, C replaced by T.
Protein change: p.Thr2340Met; replaces threonine 2340 with methionine.
Molecular consequence: missense variant.
Genome position (GRCh38, 1-based): chr2:73,453,546, C>T. VCF-style: chr2-73453546-C-T. GRCh37 (hg19) VCF-style: chr2-73680673-C-T.
Other names: c.7022C>T, p.Thr2341Met (NM_015120.4); short protein forms T2340M, T2341M.
Identifiers: ClinVar variation 1756732 (VCV001756732.5), dbSNP rs577661314, ClinGen allele CA1714168.
Genomic context (GRCh38, chr2:73,453,546, plus strand): 5'-AGCCATTCACAGAGGAAAGCCCAAGCAGCAGGTGCATACAGAAGGATATTGGCACACAGA[C>T]GAATTTGAAATGCCGGAGAGGCATTGAAAATTGGGAGTTTATTAGTTCAACTACAGTTAG-3'
Protein context (NP_001365383.1, residues 2330-2350): RCIQKDIGTQ[Thr2340Met]NLKCRRGIEN

ClinVar aggregate classification (germline): Uncertain significance. Review status: criteria provided, multiple submitters, no conflicts (2 of 4 stars). 3 submissions from 3 submitters: Uncertain significance (3). Last evaluated 2022-10-17.

Conditions:
Alstrom syndrome (ALMS). Identifiers: Orphanet 64, MedGen C0268425, MONDO:0008763, OMIM 203800.
Cardiovascular phenotype. Identifiers: MedGen CN230736.

Allele frequency attached by ClinVar (database versions not stated): gnomAD exomes 0.00001; ExAC 0.00002; TOPMed 0.00002; gnomAD 0.00003.
gnomAD v4.1: 25 of 1,613,494 alleles (0.0015%); highest among the groups gnomAD compares: African/African-American, 0.0027%; no homozygotes.

Submissions (3):

Labcorp Genetics (formerly Invitae), Labcorp
Classification: Uncertain significance for Alstrom syndrome. Last evaluated: 2022-10-17. Review status: criteria provided, single submitter. Criteria: Invitae Variant Classification Sherloc (09022015). Collection method: clinical testing. Allele origin: germline.
Comment: This sequence change replaces threonine, which is neutral and polar, with methionine, which is neutral and non-polar, at codon 2341 of the ALMS1 protein (p.Thr2341Met). This variant is present in population databases (rs577661314, gnomAD 0.004%). This variant has not been reported in the literature in individuals affected with ALMS1-related conditions. Experimental studies and prediction algorithms are not available or were not evaluated, and the functional significance of this variant is currently unknown. In summary, the available evidence is currently insufficient to determine the role of this variant in disease. Therefore, it has been classified as a Variant of Uncertain Significance.

Ambry Genetics
Classification: Uncertain significance for Cardiovascular phenotype. Last evaluated: 2020-09-29. Review status: criteria provided, single submitter. Criteria: Ambry Variant Classification Scheme 2023. Collection method: clinical testing. Allele origin: germline.
Comment: The p.T2341M variant (also known as c.7022C>T), located in coding exon 8 of the ALMS1 gene, results from a C to T substitution at nucleotide position 7022. The threonine at codon 2341 is replaced by methionine, an amino acid with similar properties. This amino acid position is well conserved in available vertebrate species. In addition, the in silico prediction for this alteration is inconclusive. Since supporting evidence is limited at this time, the clinical significance of this alteration remains unclear.

Breakthrough Genomics
Classification: Uncertain significance. Review status: criteria provided, single submitter. Criteria: ACMG Guidelines, 2015. Collection method: not provided. Allele origin: germline. Inheritance: Autosomal recessive inheritance. Affected: yes.